The following is an entry in ClinVar:

ClinVar aggregate classification (germline): Uncertain significance (1 of 4 stars; one submission).

Conditions:
Combined immunodeficiency due to LRBA deficiency. Also called: Common variable immunodeficiency 8, with autoimmunity. Identifiers: Orphanet 445018, MedGen C3553512, MONDO:0013863, OMIM 614700.

Allele frequency attached by ClinVar (database versions not stated): gnomAD exomes below 0.00001; TOPMed 0.00001.
gnomAD v4.1: 1 of 1,614,140 alleles (0.000062%); highest among the groups gnomAD compares: Non-Finnish European, 0.000085%; no homozygotes.

Submission:

Labcorp Genetics (formerly Invitae), Labcorp
Classification: Uncertain significance for Combined immunodeficiency due to LRBA deficiency. Last evaluated: 2022-01-20. Review status: criteria provided, single submitter. Criteria: Invitae Variant Classification Sherloc (09022015). Collection method: clinical testing. Allele origin: germline.
Comment: This sequence change replaces asparagine, which is neutral and polar, with aspartic acid, which is acidic and polar, at codon 1013 of the LRBA protein (p.Asn1013Asp). This variant is not present in population databases (gnomAD no frequency). This variant has not been reported in the literature in individuals affected with LRBA-related conditions. Algorithms developed to predict the effect of missense changes on protein structure and function output the following: SIFT: "Tolerated"; PolyPhen-2: "Benign"; Align-GVGD: "Class C0". The aspartic acid amino acid residue is found in multiple mammalian species, which suggests that this missense change does not adversely affect protein function. In summary, the available evidence is currently insufficient to determine the role of this variant in disease. Therefore, it has been classified as a Variant of Uncertain Significance.

NM_001364905.1(LRBA):c.3037A>G (p.Asn1013Asp)

Gene: LRBA (LPS responsive beige-like anchor protein; minus strand). Cytogenetic location: 4q31.3.
Variant type: single nucleotide variant.
Coding change: c.3037A>G on transcript NM_001364905.1 (MANE Select); coding-DNA position 3037, A replaced by G.
Protein change: p.Asn1013Asp; replaces asparagine 1013 with aspartic acid.
Molecular consequence: missense variant.
Genome position (GRCh38, 1-based): chr4:150,852,673, T>C on the plus strand (A>G on the coding strand, the complement: LRBA is on the minus strand). VCF-style: chr4-150852673-T-C. GRCh37 (hg19) VCF-style: chr4-151773825-T-C.
Other names: c.3037A>G, p.Asn1013Asp (NM_001199282.3, NM_001367550.1, NM_006726.5); short protein forms N1013D.
Identifiers: ClinVar variation 1924845 (VCV001924845.2), dbSNP rs1750753048, ClinGen allele CA358459899.